The following is an entry in ClinVar:

ClinVar aggregate classification (germline): Likely benign. Review status: criteria provided, multiple submitters, no conflicts (2 of 4 stars). 2 submissions from 2 submitters: Likely benign (2). Last evaluated 2024-11-01.

Allele frequency attached by ClinVar (database versions not stated): gnomAD 0.00005; ExAC 0.00007; TOPMed 0.00007.
gnomAD v4.1: 58 of 1,614,158 alleles (0.0036%); highest among the groups gnomAD compares: Middle Eastern, 0.12%; 1 homozygote.

Submissions (2):

CeGaT Center for Human Genetics Tuebingen
Classification: Likely benign. Last evaluated: 2024-11-01. Review status: criteria provided, single submitter. Criteria: CeGaT Center For Human Genetics Tuebingen Variant Classification Criteria Version 2. Collection method: clinical testing. Allele origin: germline. Affected: yes. Observed: 1 variant allele.
Comment: PIK3R5: BP4, BP7

Labcorp Genetics (formerly Invitae), Labcorp
Classification: Likely benign. Last evaluated: 2018-03-30. Review status: criteria provided, single submitter. Criteria: Invitae Variant Classification Sherloc (09022015). Collection method: clinical testing. Allele origin: germline.

NM_001142633.3(PIK3R5):c.2256C>T (p.Thr752=)

Gene: PIK3R5 (phosphoinositide-3-kinase regulatory subunit 5; minus strand). Cytogenetic location: 17p13.1.
Variant type: single nucleotide variant.
Coding change: c.2256C>T on transcript NM_001142633.3 (MANE Select); coding-DNA position 2256, C replaced by T.
Protein change: p.Thr752=; no amino-acid change (threonine 752 retained).
Molecular consequence: synonymous variant.
Genome position (GRCh38, 1-based): chr17:8,881,831, G>A on the plus strand (C>T on the coding strand, the complement: PIK3R5 is on the minus strand). VCF-style: chr17-8881831-G-A. GRCh37 (hg19) VCF-style: chr17-8785148-G-A.
Other names: c.1098C>T, p.Thr366= (NM_001251851.2, NM_001251852.2, NM_001251853.2 and 4 more transcripts); c.2253C>T, p.Thr751= (NM_001388396.1); c.1095C>T, p.Thr365= (NM_001388400.1); c.2256C>T, p.Thr752= (NM_014308.4).
Identifiers: ClinVar variation 746553 (VCV000746553.17), dbSNP rs771732131, ClinGen allele CA8380291.